The following is an entry in ClinVar:

NM_001036.6(RYR3):c.5407G>C (p.Val1803Leu)

Gene: RYR3 (ryanodine receptor 3; plus strand). Cytogenetic location: 15q14.
Variant type: single nucleotide variant.
Coding change: c.5407G>C on transcript NM_001036.6 (MANE Select); coding-DNA position 5407, G replaced by C.
Protein change: p.Val1803Leu; replaces valine 1803 with leucine.
Molecular consequence: missense variant.
Genome position (GRCh38, 1-based): chr15:33,662,937, G>C. VCF-style: chr15-33662937-G-C. GRCh37 (hg19) VCF-style: chr15-33955138-G-C.
Other names: c.5407G>C, p.Val1803Leu (NM_001243996.4); c.5407G>C (NM_001036.3); short protein forms V1803L.
Identifiers: ClinVar variation 461928 (VCV000461928.14), dbSNP rs377018905, ClinGen allele CA7459238.
Genomic context (GRCh38, chr15:33,662,937, plus strand): 5'-GAGAAGGCCGGCAAGGAGGCTCCTGTCAAAGGCTTGTTGCAGACTCGATTACCCGAATCC[G>C]TCAAGCTGCAGGTAAGCTGCAGGTGGTTAAGTGGAGGCAGGTTAATAGATCTTCTGCTTT-3'
Protein context (NP_001027.3, residues 1793-1813): GLLQTRLPES[Val1803Leu]KLQMCELLSY

ClinVar aggregate classification (germline): Uncertain significance. Review status: criteria provided, multiple submitters, no conflicts (2 of 4 stars). 4 submissions from 4 submitters: Uncertain significance (4). Last evaluated 2024-12-12.

Conditions:
Epileptic encephalopathy. Identifiers: MedGen C0543888, HP:0200134.

Allele frequency attached by ClinVar (database versions not stated): TOPMed 0.00015; ESP Exome Variant Server 0.00016.
gnomAD v4.1: 287 of 1,611,810 alleles (0.018%); highest among the groups gnomAD compares: Non-Finnish European, 0.021%; no homozygotes.

Submissions (4):

Ambry Genetics
Classification: Uncertain significance. Last evaluated: 2024-12-12. Review status: criteria provided, single submitter. Criteria: Ambry Variant Classification Scheme 2023. Collection method: clinical testing. Allele origin: germline.

Labcorp Genetics (formerly Invitae), Labcorp
Classification: Uncertain significance for Epileptic encephalopathy. Last evaluated: 2024-10-30. Review status: criteria provided, single submitter. Criteria: Invitae Variant Classification Sherloc (09022015). Collection method: clinical testing. Allele origin: germline.
Comment: This sequence change replaces valine, which is neutral and non-polar, with leucine, which is neutral and non-polar, at codon 1803 of the RYR3 protein (p.Val1803Leu). This variant is present in population databases (rs377018905, gnomAD 0.02%). This variant has not been reported in the literature in individuals affected with RYR3-related conditions. ClinVar contains an entry for this variant (Variation ID: 461928). Invitae Evidence Modeling of protein sequence and biophysical properties (such as structural, functional, and spatial information, amino acid conservation, physicochemical variation, residue mobility, and thermodynamic stability) indicates that this missense variant is expected to disrupt RYR3 protein function with a positive predictive value of 80%. In summary, the available evidence is currently insufficient to determine the role of this variant in disease. Therefore, it has been classified as a Variant of Uncertain Significance.

Clinical Genetics Laboratory, Skane University Hospital Lund
Classification: Uncertain significance. Last evaluated: 2023-09-13. Review status: criteria provided, single submitter. Criteria: ACMG Guidelines, 2015. Collection method: clinical testing. Allele origin: germline. Affected: yes.

Breakthrough Genomics
Classification: Uncertain significance. Review status: criteria provided, single submitter. Criteria: ACMG Guidelines, 2015. Collection method: not provided. Allele origin: germline. Inheritance: Unknown mechanism. Affected: yes.